The following is an entry in ClinVar:

ClinVar aggregate classification (germline): Conflicting classifications of pathogenicity. Review status: criteria provided, conflicting classifications (1 of 4 stars). 2 submissions from 2 submitters: Uncertain significance (1); Likely benign (1). Last evaluated 2025-08-07.

Conditions:
Marfan syndrome (MFS). Also called: MARFAN SYNDROME, TYPE I; FBN1-Related Marfan Syndrome; Marfan syndrome type 1; Marfan's syndrome; Marfan syndrome, classic. Identifiers: Orphanet 284963, Orphanet 558, MedGen C0024796, MONDO:0007947, OMIM 154700.
Familial thoracic aortic aneurysm and aortic dissection (TAAD). Also called: Thoracic aortic aneurysms and dissections. Identifiers: Orphanet 91387, MedGen C4707243, MONDO:0019625.

Allele frequency attached by ClinVar (database versions not stated): gnomAD exomes below 0.00001; gnomAD 0.00001.
gnomAD v4.1: 2 of 1,611,516 alleles (0.00012%); highest among the groups gnomAD compares: African/African-American, 0.0027%; no homozygotes.

Submissions (2):

Color Diagnostics, LLC DBA Color Health
Classification: Uncertain significance for Familial thoracic aortic aneurysm and aortic dissection. Last evaluated: 2025-08-07. Review status: criteria provided, single submitter. Criteria: ACMG Guidelines, 2015. Collection method: clinical testing. Allele origin: germline.
Comment: This missense variant replaces glycine with valine at codon 924 of the FBN1 protein. Computational prediction suggests that this variant may have deleterious impact on protein structure and function. To our knowledge, functional studies have not been reported for this variant. This variant has not been reported in individuals affected with FBN1-related disorders in the literature. This variant has been identified in 1/31392 chromosomes in the general population by the Genome Aggregation Database (gnomAD). The available evidence is insufficient to determine the role of this variant in disease conclusively. Therefore, this variant is classified as a Variant of Uncertain Significance.

Labcorp Genetics (formerly Invitae), Labcorp
Classification: Likely benign for Marfan syndrome; Familial thoracic aortic aneurysm and aortic dissection. Last evaluated: 2024-06-24. Review status: criteria provided, single submitter. Criteria: Invitae Variant Classification Sherloc (09022015). Collection method: clinical testing. Allele origin: germline.

NM_000138.5(FBN1):c.2771G>T (p.Gly924Val)

Gene: FBN1 (fibrillin 1; minus strand). Cytogenetic location: 15q21.1.
Variant type: single nucleotide variant.
Coding change: c.2771G>T on transcript NM_000138.5 (MANE Select); coding-DNA position 2771, G replaced by T.
Protein change: p.Gly924Val; replaces glycine 924 with valine.
Molecular consequence: missense variant.
Genome position (GRCh38, 1-based): chr15:48,492,544, C>A on the plus strand (G>T on the coding strand, the complement: FBN1 is on the minus strand). VCF-style: chr15-48492544-C-A. GRCh37 (hg19) VCF-style: chr15-48784741-C-A.
Other names: short protein forms G924V.
Identifiers: ClinVar variation 457181 (VCV000457181.11), dbSNP rs1206476337, ClinGen allele CA392330742.